The following is an entry in ClinVar:

NM_004937.3(CTNS):c.22_23del (p.Ile8fs)

Gene: CTNS (cystinosin, lysosomal cystine transporter; plus strand). Cytogenetic location: 17p13.2.
Variant type: Deletion.
Coding change: c.22_23del on transcript NM_004937.3 (MANE Select); coding-DNA positions 22 to 23, 2 bases deleted (AT; older notation c.22_23delAT).
Protein change: p.Ile8fs; shifts the reading frame from isoleucine 8.
Molecular consequence: frameshift variant. On other transcripts: 5 prime UTR variant (2), intron variant (2).
Genome position (GRCh38, 1-based): chr17:3,640,228-3,640,229, AT deleted; deleting any 2 consecutive bases within chr17:3,640,227-3,640,229 gives the same sequence; the c. name uses the placement nearest the transcript's 3' end. VCF-style (leftmost placement, unchanged base first): chr17-3640226-CTA-C. GRCh37 (hg19) VCF-style: chr17-3543520-CTA-C.
Other names: c.22_23del, p.Ile8fs (NM_001031681.3, NM_001374492.1); c.-335_-334del (NM_001374493.1); c.-256_-255del (NM_001374495.1); c.-381+2912_-381+2913del (NM_001374494.1); c.-296+2912_-296+2913del (NM_001374496.1); short protein forms I8fs.
Identifiers: ClinVar variation 3775599 (VCV003775599.1).

ClinVar aggregate classification (germline): Likely pathogenic (1 of 4 stars; one submission).

Conditions:
Nephropathic cystinosis (CTNS). Also called: CYSTINOSIN, DEFECT OF; LYSOSOMAL CYSTINE TRANSPORT PROTEIN, DEFECT OF; Abderhalden Lignac Kaufmann disease; Abderhalden-Kaufmann-Lignac syndrome. Identifiers: Orphanet 213, Orphanet 411629, MedGen C2931187, MONDO:0100151, OMIM 219800.

Submission:

3billion
Classification: Likely pathogenic for Nephropathic cystinosis. Last evaluated: 2023-09-04. Review status: criteria provided, single submitter. Criteria: ACMG Guidelines, 2015. Collection method: clinical testing. Allele origin: germline. Affected: yes.
Comment: The variant is observed at an extremely low frequency in the gnomAD v2.1.1 dataset (total allele frequency: 0.000%). Predicted Consequence/Location: Frameshift: predicted to result in a loss or disruption of normal protein function through nonsense-mediated decay (NMD) or protein truncation. Multiple pathogenic variants are reported downstream of the variant. Therefore, this variant is classified as Likely pathogenic according to the recommendation of ACMG/AMP guideline.